The following is an entry in ClinVar:

ClinVar aggregate classification (germline): Uncertain significance. Review status: criteria provided, multiple submitters, no conflicts (2 of 4 stars). 2 submissions from 2 submitters: Uncertain significance (2). Last evaluated 2023-12-29.

Conditions:
PPM1D-related disorder. Also called: PPM1D-related condition.
Inborn genetic diseases. Identifiers: MedGen C0950123, MeSH D030342.

Submissions (2):

Ambry Genetics
Classification: Uncertain significance for Inborn genetic diseases. Last evaluated: 2023-12-29. Review status: criteria provided, single submitter. Criteria: Ambry Variant Classification Scheme 2023. Collection method: clinical testing. Allele origin: germline.
Comment: The c.1516_1517delAC (p.T506Cfs*21) alteration, located in exon 6 (coding exon 6) of the PPM1D gene, consists of a deletion of 2 nucleotides from position 1516 to 1517, causing a translational frameshift with a predicted alternate stop codon after 21 amino acids. This alteration occurs at the 3' terminus of the PPM1D gene, is not expected to trigger nonsense-mediated mRNA decay, and only impacts the last 16.4% of the protein. The exact functional effect of this alteration is unknown. This variant was not reported in population-based cohorts in the Genome Aggregation Database (gnomAD). Based on insufficient or conflicting evidence, the clinical significance of this alteration remains unclear.

PreventionGenetics, part of Exact Sciences
Classification: Uncertain significance for PPM1D-related condition. Last evaluated: 2022-11-02. Review status: criteria provided, single submitter. Criteria: ACMG Guidelines, 2015. Collection method: clinical testing. Allele origin: germline.
Comment: The PPM1D c.1516_1517delAC variant is predicted to result in a frameshift and premature protein termination (p.Thr506Cysfs*21). To our knowledge, this variant has not been reported in the literature or in a large population database, indicating this variant is rare. This chain terminating variant occurs in the last exon and is predicted to escape from nonsense-mediated mRNA decay, however the protein product is substantially shortened by at least 78 amino acid residues. Although we suspect that this variant may be pathogenic, at this time, the clinical significance of this variant is uncertain due to the absence of conclusive functional and genetic evidence.

NM_003620.4(PPM1D):c.1516_1517del (p.Thr506fs)

Gene: PPM1D (protein phosphatase, Mg2+/Mn2+ dependent 1D; plus strand). Cytogenetic location: 17q23.2.
Variant type: Microsatellite.
Coding change: c.1516_1517del on transcript NM_003620.4 (MANE Select); coding-DNA positions 1516 to 1517, 2 bases deleted (AC; older notation c.1516_1517delAC).
Protein change: p.Thr506fs; shifts the reading frame from threonine 506.
Molecular consequence: frameshift variant.
Genome position (GRCh38, 1-based): chr17:60,663,250-60,663,251, AC deleted; deleting any 2 consecutive bases within chr17:60,663,248-60,663,251 gives the same sequence; the c. name uses the placement nearest the transcript's 3' end. VCF-style (leftmost placement, unchanged base first): chr17-60663247-AAC-A. GRCh37 (hg19) VCF-style: chr17-58740608-AAC-A.
Other names: c.1514_1515AC[1], p.Thr506Cysfs (NM_003620.3); c.1516_1517delAC (NM_003620.3); short protein forms T506fs.
Identifiers: ClinVar variation 2637312 (VCV002637312.2), dbSNP rs2544470319, ClinGen allele CA2695200306.